The following is an entry in ClinVar:

ClinVar aggregate classification (germline): Uncertain significance (1 of 4 stars; one submission).

Conditions:
Hereditary sensory and autonomic neuropathy type 6. Also called: HSAN VI; Neuropathy, hereditary sensory and autonomic, type VI. Identifiers: Orphanet 314381, MedGen C3539003, MONDO:0013839, OMIM 614653.
Epidermolysis bullosa simplex 3, localized or generalized intermediate, with BP230 deficiency (EBS3). Also called: Epidermolysis bullosa simplex, autosomal recessive 2; Epidermolysis bullosa simplex due to BP230 deficiency. Identifiers: Orphanet 412181, MedGen C3809470, MONDO:0014180, OMIM 615425.

Allele frequency attached by ClinVar (database versions not stated): gnomAD exomes below 0.00001.
gnomAD v4.1: 1 of 1,613,998 alleles (0.000062%); highest among the groups gnomAD compares: Non-Finnish European, 0.000085%; no homozygotes.

Submission:

Labcorp Genetics (formerly Invitae), Labcorp
Classification: Uncertain significance for Epidermolysis bullosa simplex 3, localized or generalized intermediate, with BP230 deficiency; Hereditary sensory and autonomic neuropathy type 6. Last evaluated: 2022-02-08. Review status: criteria provided, single submitter. Criteria: Invitae Variant Classification Sherloc (09022015). Collection method: clinical testing. Allele origin: germline.
Comment: In summary, the available evidence is currently insufficient to determine the role of this variant in disease. Therefore, it has been classified as a Variant of Uncertain Significance. Experimental studies and prediction algorithms are not available or were not evaluated, and the functional significance of this variant is currently unknown. This variant has not been reported in the literature in individuals affected with DST-related conditions. This variant is not present in population databases (gnomAD no frequency). This sequence change replaces glutamine, which is neutral and polar, with leucine, which is neutral and non-polar, at codon 5122 of the DST protein (p.Gln5122Leu). The DST gene has multiple clinically relevant transcripts. This variant occurs in alternate transcript NM_015548.4, and corresponds to NM_001723.5:c.*156361A>T in the primary transcript.

NM_001374736.1(DST):c.23306A>T (p.Gln7769Leu)

Gene: DST (dystonin; minus strand). Cytogenetic location: 6p12.1.
Variant type: single nucleotide variant.
Coding change: c.23306A>T on transcript NM_001374736.1 (MANE Select); coding-DNA position 23306, A replaced by T.
Protein change: p.Gln7769Leu; replaces glutamine 7769 with leucine.
Molecular consequence: missense variant.
Genome position (GRCh38, 1-based): chr6:56,459,156, T>A on the plus strand (A>T on the coding strand, the complement: DST is on the minus strand). VCF-style: chr6-56459156-T-A. GRCh37 (hg19) VCF-style: chr6-56323954-T-A.
Other names: c.16877A>T, p.Gln5626Leu (NM_001144769.5); c.16463A>T, p.Gln5488Leu (NM_001144770.2); c.23234A>T, p.Gln7745Leu (NM_001374722.1); c.22235A>T, p.Gln7412Leu (NM_001374729.1); c.15977A>T, p.Gln5326Leu (NM_001374730.1); c.23261A>T, p.Gln7754Leu (NM_001374734.1); c.16325A>T, p.Gln5442Leu (NM_001386100.1); c.15365A>T, p.Gln5122Leu (NM_015548.5); and 1 more; short protein forms Q7412L, Q5122L, Q5326L, Q7745L, Q7754L, Q5448L, Q7769L, Q5442L.
Identifiers: ClinVar variation 1937545 (VCV001937545.5), dbSNP rs2533176925, ClinGen allele CA364503114.